The following is an entry in ClinVar:

NM_013275.6(ANKRD11):c.6827C>T (p.Pro2276Leu)

Gene: ANKRD11 (ankyrin repeat domain 11; minus strand). Cytogenetic location: 16q24.3.
Variant type: single nucleotide variant.
Coding change: c.6827C>T on transcript NM_013275.6 (MANE Select); coding-DNA position 6827, C replaced by T.
Protein change: p.Pro2276Leu; replaces proline 2276 with leucine.
Molecular consequence: missense variant.
Genome position (GRCh38, 1-based): chr16:89,279,715, G>A on the plus strand (C>T on the coding strand, the complement: ANKRD11 is on the minus strand). VCF-style: chr16-89279715-G-A. GRCh37 (hg19) VCF-style: chr16-89346123-G-A.
Other names: c.6827C>T, p.Pro2276Leu (NM_001256182.2, NM_001256183.2); c.6827C>T (NM_013275.4); short protein forms P2276L.
Identifiers: ClinVar variation 697952 (VCV000697952.18), dbSNP rs573355746, ClinGen allele CA8241323.

ClinVar aggregate classification (germline): Benign/Likely benign. Review status: criteria provided, multiple submitters, no conflicts (2 of 4 stars). 6 submissions from 6 submitters: Benign (3); Likely benign (2). 1 of the submissions does not count toward it. Last evaluated 2026-01-27.

Conditions:
KBG syndrome (KBGS). Also called: ANKRD11-Related KBG Syndrome. Identifiers: Orphanet 2332, MedGen C0220687, MONDO:0007846, OMIM 148050.
ANKRD11-related disorder. Also called: ANKRD11-related condition.
Inborn genetic diseases. Identifiers: MedGen C0950123, MeSH D030342.

Allele frequency attached by ClinVar (database versions not stated): ExAC 0.00061; 1000 Genomes Project 0.00140; gnomAD 0.00142 and 0.00152; TOPMed 0.00151; 1000 Genomes Project 30x 0.00156.
gnomAD v4.1: 395 of 1,529,942 alleles (0.026%); highest among the groups gnomAD compares: African/African-American, 0.44%; 2 homozygotes.

Submissions (6):

Labcorp Genetics (formerly Invitae), Labcorp
Classification: Benign for KBG syndrome. Last evaluated: 2026-01-27. Review status: criteria provided, single submitter. Criteria: Invitae Variant Classification Sherloc (09022015). Collection method: clinical testing. Allele origin: germline.

Blueprint Genetics
Classification: Likely benign. Last evaluated: 2024-11-14. Review status: criteria provided, single submitter. Criteria: ACMG Guidelines, 2015. Collection method: clinical testing. Allele origin: germline.

Genome-Nilou Lab
Classification: Benign for KBG syndrome. Last evaluated: 2021-12-05. Review status: criteria provided, single submitter. Criteria: ACMG Guidelines, 2015. Collection method: clinical testing. Allele origin: germline. Affected: no.

GeneDx
Classification: Benign. Last evaluated: 2020-01-31. Review status: criteria provided, single submitter. Criteria: GeneDx Variant Classification Process June 2021. Collection method: clinical testing. Allele origin: germline. Affected: yes.

Ambry Genetics
Classification: Likely benign for Inborn genetic diseases. Last evaluated: 2017-09-14. Review status: criteria provided, single submitter. Criteria: Ambry Variant Classification Scheme 2023. Collection method: clinical testing. Allele origin: germline.

PreventionGenetics, part of Exact Sciences
Classification: Benign for ANKRD11-related condition. Last evaluated: 2019-05-29. Review status: no assertion criteria provided. Collection method: clinical testing. Allele origin: germline. Not counted in ClinVar's aggregate classification.
Comment: This variant is classified as benign based on ACMG/AMP sequence variant interpretation guidelines (Richards et al. 2015 PMID: 25741868, with internal and published modifications).